The following is an entry in ClinVar:

NM_003737.4(DCHS1):c.554A>T (p.Asp185Val)

Gene: DCHS1 (dachsous cadherin-related 1; minus strand). Cytogenetic location: 11p15.4.
Variant type: single nucleotide variant.
Coding change: c.554A>T on transcript NM_003737.4 (MANE Select); coding-DNA position 554, A replaced by T.
Protein change: p.Asp185Val; replaces aspartic acid 185 with valine.
Molecular consequence: missense variant.
Genome position (GRCh38, 1-based): chr11:6,641,060, T>A on the plus strand (A>T on the coding strand, the complement: DCHS1 is on the minus strand). VCF-style: chr11-6641060-T-A. GRCh37 (hg19) VCF-style: chr11-6662291-T-A.
Other names: c.554A>T (NM_003737.2); short protein forms D185V.
Identifiers: ClinVar variation 1305613 (VCV001305613.4), dbSNP rs780572453, ClinGen allele CA5861133.

ClinVar aggregate classification (germline): Uncertain significance. Review status: criteria provided, multiple submitters, no conflicts (2 of 4 stars). 3 submissions from 3 submitters: Uncertain significance (3). Last evaluated 2025-12-09.

Conditions:
Inborn genetic diseases. Identifiers: MedGen C0950123, MeSH D030342.

Allele frequency attached by ClinVar (database versions not stated): gnomAD 0.00001 and 0.00003; TOPMed 0.00001; gnomAD exomes 0.00002 and 0.00005; ExAC 0.00005.

Submissions (3):

Labcorp Genetics (formerly Invitae), Labcorp
Classification: Uncertain significance. Last evaluated: 2025-12-09. Review status: criteria provided, single submitter. Criteria: Invitae Variant Classification Sherloc (09022015). Collection method: clinical testing. Allele origin: germline.
Comment: This sequence change replaces aspartic acid, which is acidic and polar, with valine, which is neutral and non-polar, at codon 185 of the DCHS1 protein (p.Asp185Val). This variant is present in population databases (rs780572453, gnomAD 0.04%). This variant has not been reported in the literature in individuals affected with DCHS1-related conditions. ClinVar contains an entry for this variant (Variation ID: 1305613). Invitae Evidence Modeling of protein sequence and biophysical properties (such as structural, functional, and spatial information, amino acid conservation, physicochemical variation, residue mobility, and thermodynamic stability) indicates that this missense variant is not expected to disrupt DCHS1 protein function with a negative predictive value of 95%. In summary, the available evidence is currently insufficient to determine the role of this variant in disease. Therefore, it has been classified as a Variant of Uncertain Significance.

Ambry Genetics
Classification: Uncertain significance for Inborn genetic diseases. Last evaluated: 2025-03-21. Review status: criteria provided, single submitter. Criteria: Ambry Variant Classification Scheme 2023. Collection method: clinical testing. Allele origin: germline.

GeneDx
Classification: Uncertain significance. Last evaluated: 2019-05-07. Review status: criteria provided, single submitter. Criteria: GeneDx Variant Classification Process June 2021. Collection method: clinical testing. Allele origin: germline. Affected: yes.
Comment: In silico analysis, which includes protein predictors and evolutionary conservation, supports a deleterious effect; Has not been previously published as pathogenic or benign to our knowledge